The following is an entry in ClinVar:

NM_001161.5(NUDT2):c.343C>T (p.Arg115Cys)

Gene: NUDT2 (nudix hydrolase 2; plus strand). Cytogenetic location: 9p13.3.
Variant type: single nucleotide variant.
Coding change: c.343C>T on transcript NM_001161.5 (MANE Select); coding-DNA position 343, C replaced by T.
Protein change: p.Arg115Cys; replaces arginine 115 with cysteine.
Molecular consequence: missense variant.
Genome position (GRCh38, 1-based): chr9:34,343,339, C>T. VCF-style: chr9-34343339-C-T. GRCh37 (hg19) VCF-style: chr9-34343337-C-T.
Other names: c.343C>T, p.Arg115Cys (NM_001244390.2, NM_147172.3, NM_147173.3); short protein forms R115C.
Identifiers: ClinVar variation 2136119 (VCV002136119.1), dbSNP rs143347739, ClinGen allele CA5032724.

ClinVar aggregate classification (germline): Uncertain significance (1 of 4 stars; one submission).

Allele frequency attached by ClinVar (database versions not stated): ExAC 0.00033; gnomAD 0.00077; 1000 Genomes Project 0.00100; ESP Exome Variant Server 0.00108; 1000 Genomes Project 30x 0.00109.
gnomAD v4.1: 260 of 1,613,804 alleles (0.016%); highest among the groups gnomAD compares: African/African-American, 0.28%; no homozygotes.

Submission:

GeneDx
Classification: Uncertain significance. Last evaluated: 2022-07-22. Review status: criteria provided, single submitter. Criteria: GeneDx Variant Classification Process June 2021. Collection method: clinical testing. Allele origin: germline. Affected: yes.
Comment: In silico analysis supports that this missense variant has a deleterious effect on protein structure/function; Has not been previously published as pathogenic or benign to our knowledge